The following is an entry in ClinVar:

ClinVar aggregate classification (germline): Uncertain significance. Review status: criteria provided, multiple submitters, no conflicts (2 of 4 stars). 2 submissions from 2 submitters: Uncertain significance (2). Last evaluated 2025-02-12.

Conditions:
Cataract 39 multiple types. Also called: Cataract 39, multiple types, autosomal dominant. Identifiers: Orphanet 91492, MedGen C3808800, MONDO:0014075, OMIM 615188.
CRYGB-related disorder. Also called: CRYGB-related condition.

Allele frequency attached by ClinVar (database versions not stated): ExAC 0.00003; gnomAD exomes 0.00004; TOPMed 0.00004; gnomAD 0.00006.
gnomAD v4.1: 69 of 1,613,502 alleles (0.0043%); highest among the groups gnomAD compares: Non-Finnish European, 0.0048%; no homozygotes.

Submissions (2):

PreventionGenetics, part of Exact Sciences
Classification: Uncertain significance for CRYGB-related condition. Last evaluated: 2025-02-12. Review status: criteria provided, single submitter. Criteria: ACMG Guidelines, 2015. Collection method: clinical testing. Allele origin: germline.
Comment: The CRYGB c.220G>A variant is predicted to result in the amino acid substitution p.Asp74Asn. To our knowledge, this variant has not been reported in the literature. This variant is reported in 0.0094% of alleles in individuals of European (Non-Finnish) descent in gnomAD. At this time, the clinical significance of this variant is uncertain due to the absence of conclusive functional and genetic evidence.

Labcorp Genetics (formerly Invitae), Labcorp
Classification: Uncertain significance for Cataract 39 multiple types. Last evaluated: 2024-02-23. Review status: criteria provided, single submitter. Criteria: Invitae Variant Classification Sherloc (09022015). Collection method: clinical testing. Allele origin: germline.
Comment: This sequence change replaces aspartic acid, which is acidic and polar, with asparagine, which is neutral and polar, at codon 74 of the CRYGB protein (p.Asp74Asn). This variant is present in population databases (rs776185104, gnomAD 0.009%). This variant has not been reported in the literature in individuals affected with CRYGB-related conditions. An algorithm developed to predict the effect of missense changes on protein structure and function (PolyPhen-2) suggests that this variant is likely to be tolerated. In summary, the available evidence is currently insufficient to determine the role of this variant in disease. Therefore, it has been classified as a Variant of Uncertain Significance.

NM_005210.4(CRYGB):c.220G>A (p.Asp74Asn)

Genes: CRYGB (crystallin gamma B; minus strand), LOC100507443 (uncharacterized LOC100507443; plus strand). Cytogenetic location: 2q33.3.
Variant type: single nucleotide variant.
Coding change: c.220G>A on transcript NM_005210.4 (MANE Select); coding-DNA position 220, G replaced by A.
Protein change: p.Asp74Asn; replaces aspartic acid 74 with asparagine.
Molecular consequence: missense variant.
Genome position (GRCh38, 1-based): chr2:208,145,806, C>T on the plus strand (G>A on the coding strand, the complement: CRYGB is on the minus strand). VCF-style: chr2-208145806-C-T. GRCh37 (hg19) VCF-style: chr2-209010530-C-T.
Other names: c.220G>A (NM_005210.3); short protein forms D74N.
Identifiers: ClinVar variation 2730356 (VCV002730356.4), dbSNP rs776185104, ClinGen allele CA2078120.